The following is an entry in ClinVar:

NM_032816.5(CEP89):c.392C>G (p.Thr131Ser)

Gene: CEP89 (centrosomal protein 89; minus strand). Cytogenetic location: 19q13.11.
Variant type: single nucleotide variant.
Coding change: c.392C>G on transcript NM_032816.5 (MANE Select); coding-DNA position 392, C replaced by G.
Protein change: p.Thr131Ser; replaces threonine 131 with serine.
Molecular consequence: missense variant.
Genome position (GRCh38, 1-based): chr19:32,953,715, G>C on the plus strand (C>G on the coding strand, the complement: CEP89 is on the minus strand). VCF-style: chr19-32953715-G-C. GRCh37 (hg19) VCF-style: chr19-33444621-G-C.
Other names: short protein forms T131S.
Identifiers: ClinVar variation 2407570 (VCV002407570.5), dbSNP rs111238299, ClinGen allele CA9359774.

ClinVar aggregate classification (germline): Uncertain significance. Review status: criteria provided, multiple submitters, no conflicts (2 of 4 stars). 2 submissions from 2 submitters: Uncertain significance (2). Last evaluated 2025-05-18.

Allele frequency attached by ClinVar (database versions not stated): gnomAD 0.00002; 1000 Genomes Project 30x 0.00016; ExAC 0.00001; TOPMed 0.00001; 1000 Genomes Project 0.00020.
gnomAD v4.1: 20 of 1,614,010 alleles (0.0012%); highest among the groups gnomAD compares: Middle Eastern, 0.016%; no homozygotes.

Submissions (2):

Labcorp Genetics (formerly Invitae), Labcorp
Classification: Uncertain significance. Last evaluated: 2025-05-18. Review status: criteria provided, single submitter. Criteria: Invitae Variant Classification Sherloc (09022015). Collection method: clinical testing. Allele origin: germline.
Comment: This sequence change replaces threonine, which is neutral and polar, with serine, which is neutral and polar, at codon 131 of the CEP89 protein (p.Thr131Ser). This variant is present in population databases (rs111238299, gnomAD 0.007%). This variant has not been reported in the literature in individuals affected with CEP89-related conditions. ClinVar contains an entry for this variant (Variation ID: 2407570). An algorithm developed to predict the effect of missense changes on protein structure and function outputs the following: PolyPhen-2: "Benign". The serine amino acid residue is found in multiple mammalian species, which suggests that this missense change does not adversely affect protein function. In summary, the available evidence is currently insufficient to determine the role of this variant in disease. Therefore, it has been classified as a Variant of Uncertain Significance.

Ambry Genetics
Classification: Uncertain significance. Last evaluated: 2022-07-05. Review status: criteria provided, single submitter. Criteria: Ambry Variant Classification Scheme 2023. Collection method: clinical testing. Allele origin: germline.